The following is an entry in ClinVar:

NM_001206927.2(DNAH8):c.11161G>A (p.Asp3721Asn)

Genes: DNAH8 (dynein axonemal heavy chain 8; plus strand), DNAH8-AS1 (DNAH8 antisense RNA 1; minus strand). Cytogenetic location: 6p21.2.
Variant type: single nucleotide variant.
Coding change: c.11161G>A on transcript NM_001206927.2 (MANE Select); coding-DNA position 11161, G replaced by A.
Protein change: p.Asp3721Asn; replaces aspartic acid 3721 with asparagine.
Molecular consequence: missense variant.
Genome position (GRCh38, 1-based): chr6:38,929,553, G>A. VCF-style: chr6-38929553-G-A. GRCh37 (hg19) VCF-style: chr6-38897329-G-A.
Other names: c.10510G>A, p.Asp3504Asn (NM_001371.4); short protein forms D3504N, D3721N.
Identifiers: ClinVar variation 2770185 (VCV002770185.3), dbSNP rs755050080, ClinGen allele CA3790943.

ClinVar aggregate classification (germline): Uncertain significance (1 of 4 stars; one submission).

Conditions:
Primary ciliary dyskinesia. Also called: Ciliary dyskinesia. Identifiers: Orphanet 244, MedGen C0008780, MONDO:0016575, HP:0012265.

Allele frequency attached by ClinVar (database versions not stated): gnomAD exomes below 0.00001; ExAC 0.00001.
gnomAD v4.1: 4 of 1,612,988 alleles (0.00025%); highest among the groups gnomAD compares: Non-Finnish European, 0.000085%; no homozygotes.

Submission:

Labcorp Genetics (formerly Invitae), Labcorp
Classification: Uncertain significance for Primary ciliary dyskinesia. Last evaluated: 2023-04-29. Review status: criteria provided, single submitter. Criteria: Invitae Variant Classification Sherloc (09022015). Collection method: clinical testing. Allele origin: germline.
Comment: This sequence change replaces aspartic acid, which is acidic and polar, with asparagine, which is neutral and polar, at codon 3721 of the DNAH8 protein (p.Asp3721Asn). This variant is present in population databases (rs755050080, gnomAD 0.002%). In summary, the available evidence is currently insufficient to determine the role of this variant in disease. Therefore, it has been classified as a Variant of Uncertain Significance. Advanced modeling of protein sequence and biophysical properties (such as structural, functional, and spatial information, amino acid conservation, physicochemical variation, residue mobility, and thermodynamic stability) has been performed at Invitae for this missense variant, however the output from this modeling did not meet the statistical confidence thresholds required to predict the impact of this variant on DNAH8 protein function. This variant has not been reported in the literature in individuals affected with DNAH8-related conditions.